The following is an entry in ClinVar:

ClinVar aggregate classification (germline): Uncertain significance (1 of 4 stars; one submission).

Conditions:
Hereditary cancer-predisposing syndrome. Also called: Neoplastic Syndromes, Hereditary; Hereditary Cancer Syndrome; Tumor predisposition; Hereditary neoplastic syndrome. Identifiers: Orphanet 140162, MedGen C0027672, MeSH D009386, MONDO:0015356.

gnomAD v4.1: 7 of 1,613,618 alleles (0.00043%); no homozygotes.

Submission:

Ambry Genetics
Classification: Uncertain significance for Hereditary cancer-predisposing syndrome. Last evaluated: 2024-12-19. Review status: criteria provided, single submitter. Criteria: Ambry Variant Classification Scheme 2023. Collection method: clinical testing. Allele origin: germline.
Comment: The p.S794G variant (also known as c.2380A>G), located in coding exon 23 of the RB1 gene, results from an A to G substitution at nucleotide position 2380. The serine at codon 794 is replaced by glycine, an amino acid with similar properties. This amino acid position is not well conserved in available vertebrate species. In addition, this alteration is predicted to be tolerated by in silico analysis. Based on the available evidence, the clinical significance of this variant remains unclear.

NM_000321.3(RB1):c.2380A>G (p.Ser794Gly)

Gene: RB1 (RB transcriptional corepressor 1; plus strand). Cytogenetic location: 13q14.2.
Variant type: single nucleotide variant.
Coding change: c.2380A>G on transcript NM_000321.3 (MANE Select); coding-DNA position 2380, A replaced by G.
Protein change: p.Ser794Gly; replaces serine 794 with glycine.
Molecular consequence: missense variant.
Genome position (GRCh38, 1-based): chr13:48,465,259, A>G. VCF-style: chr13-48465259-A-G. GRCh37 (hg19) VCF-style: chr13-49039395-A-G.
Other names: c.2380A>G, p.Ser794Gly (NM_001407165.1); short protein forms S794G.
Identifiers: ClinVar variation 3787257 (VCV003787257.1).